The following is an entry in ClinVar:

NM_005045.4(RELN):c.3362A>G (p.Asp1121Gly)

Gene: RELN (reelin; minus strand). Cytogenetic location: 7q22.1.
Variant type: single nucleotide variant.
Coding change: c.3362A>G on transcript NM_005045.4 (MANE Select); coding-DNA position 3362, A replaced by G.
Protein change: p.Asp1121Gly; replaces aspartic acid 1121 with glycine.
Molecular consequence: missense variant.
Genome position (GRCh38, 1-based): chr7:103,596,633, T>C on the plus strand (A>G on the coding strand, the complement: RELN is on the minus strand). VCF-style: chr7-103596633-T-C. GRCh37 (hg19) VCF-style: chr7-103237080-T-C.
Other names: c.3362A>G, p.Asp1121Gly (NM_173054.3); short protein forms D1121G.
Identifiers: ClinVar variation 3749856 (VCV003749856.2).

ClinVar aggregate classification (germline): Uncertain significance (1 of 4 stars; one submission).

Conditions:
Familial temporal lobe epilepsy 7. Identifiers: Orphanet 101046, MedGen C4225327, MONDO:0014639, OMIM 616436.
Norman-Roberts syndrome (LIS2). Also called: Lissencephaly 2 (Norman-Roberts type). Identifiers: Orphanet 89844, MedGen C0796089, MONDO:0009760, OMIM 257320.

gnomAD v4.1: 6 of 1,614,010 alleles (0.00037%); highest among the groups gnomAD compares: Admixed American, 0.0017%; no homozygotes.

Submission:

Labcorp Genetics (formerly Invitae), Labcorp
Classification: Uncertain significance for Familial temporal lobe epilepsy 7; Norman-Roberts syndrome. Last evaluated: 2025-02-02. Review status: criteria provided, single submitter. Criteria: Invitae Variant Classification Sherloc (09022015). Collection method: clinical testing. Allele origin: germline.
Comment: This sequence change replaces aspartic acid, which is acidic and polar, with glycine, which is neutral and non-polar, at codon 1121 of the RELN protein (p.Asp1121Gly). This variant is present in population databases (rs764811560, gnomAD 0.004%). This variant has not been reported in the literature in individuals affected with RELN-related conditions. Invitae Evidence Modeling of protein sequence and biophysical properties (such as structural, functional, and spatial information, amino acid conservation, physicochemical variation, residue mobility, and thermodynamic stability) indicates that this missense variant is not expected to disrupt RELN protein function with a negative predictive value of 80%. In summary, the available evidence is currently insufficient to determine the role of this variant in disease. Therefore, it has been classified as a Variant of Uncertain Significance.